The following is an entry in ClinVar:

ClinVar aggregate classification (germline): Uncertain significance. Review status: criteria provided, multiple submitters, no conflicts (2 of 4 stars). 2 submissions from 2 submitters: Uncertain significance (2). Last evaluated 2025-12-08.

Conditions:
Inborn genetic diseases. Identifiers: MedGen C0950123, MeSH D030342.
Nemaline myopathy 5 (NEM5A). Also called: Nemaline myopathy 5, Amish type; NEMALINE MYOPATHY, AMISH TYPE; NEMALINE MYOPATHY 5A, AUTOSOMAL RECESSIVE, SEVERE INFANTILE. Identifiers: Orphanet 98902, MedGen C1854380, MONDO:0011539, OMIM 605355.

Allele frequency attached by ClinVar (database versions not stated): gnomAD 0.00001; TOPMed 0.00001.
gnomAD v4.1: 8 of 1,613,924 alleles (0.0005%); highest among the groups gnomAD compares: African/African-American, 0.0013%; no homozygotes.

Submissions (2):

Ambry Genetics
Classification: Uncertain significance for Inborn genetic diseases. Last evaluated: 2025-12-08. Review status: criteria provided, single submitter. Criteria: Ambry Variant Classification Scheme 2023. Collection method: clinical testing. Allele origin: germline.

Labcorp Genetics (formerly Invitae), Labcorp
Classification: Uncertain significance for Nemaline myopathy 5. Last evaluated: 2022-09-01. Review status: criteria provided, single submitter. Criteria: Invitae Variant Classification Sherloc (09022015). Collection method: clinical testing. Allele origin: germline.
Comment: This sequence change replaces valine, which is neutral and non-polar, with methionine, which is neutral and non-polar, at codon 46 of the TNNT1 protein (p.Val46Met). This variant is not present in population databases (gnomAD no frequency). This variant has not been reported in the literature in individuals affected with TNNT1-related conditions. ClinVar contains an entry for this variant (Variation ID: 1022550). Algorithms developed to predict the effect of missense changes on protein structure and function output the following: SIFT: "Tolerated"; PolyPhen-2: "Not Available"; Align-GVGD: "Class C0". The methionine amino acid residue is found in multiple mammalian species, which suggests that this missense change does not adversely affect protein function. In summary, the available evidence is currently insufficient to determine the role of this variant in disease. Therefore, it has been classified as a Variant of Uncertain Significance.

NM_003283.6(TNNT1):c.136G>A (p.Val46Met)

Gene: TNNT1 (troponin T1, slow skeletal type; minus strand). Cytogenetic location: 19q13.42.
Variant type: single nucleotide variant.
Coding change: c.136G>A on transcript NM_003283.6 (MANE Select); coding-DNA position 136, G replaced by A.
Protein change: p.Val46Met; replaces valine 46 with methionine.
Molecular consequence: missense variant.
Genome position (GRCh38, 1-based): chr19:55,141,913, C>T on the plus strand (G>A on the coding strand, the complement: TNNT1 is on the minus strand). VCF-style: chr19-55141913-C-T. GRCh37 (hg19) VCF-style: chr19-55653281-C-T.
Other names: c.136G>A, p.Val46Met (NM_001126132.3); c.103G>A, p.Val35Met (NM_001126133.3, NM_001291774.2); c.136G>A (NM_003283.4); short protein forms V35M, V46M.
Identifiers: ClinVar variation 1022550 (VCV001022550.7), dbSNP rs778199645, ClinGen allele CA407437147.